The following is an entry in ClinVar:

ClinVar aggregate classification (germline): Likely pathogenic (1 of 4 stars; one submission).

Conditions:
Dilated cardiomyopathy 1G (CMD1G). Identifiers: Orphanet 154, MedGen C1858763, MONDO:0011400, OMIM 604145.
Autosomal recessive limb-girdle muscular dystrophy type 2J (LGMDR10). Also called: Limb-girdle muscular dystrophy, type 2J; MUSCULAR DYSTROPHY, LIMB-GIRDLE, AUTOSOMAL RECESSIVE 10. Identifiers: Orphanet 140922, MedGen C1837342, MONDO:0012127, OMIM 608807.

Submission:

Labcorp Genetics (formerly Invitae), Labcorp
Classification: Likely pathogenic for Dilated cardiomyopathy 1G; Autosomal recessive limb-girdle muscular dystrophy type 2J. Last evaluated: 2024-07-03. Review status: criteria provided, single submitter. Criteria: Invitae Variant Classification Sherloc (09022015). Collection method: clinical testing. Allele origin: germline.
Comment: This sequence change creates a premature translational stop signal (p.Lys8030Asnfs*13) in the TTN gene. While this is not anticipated to result in nonsense mediated decay, it is expected to create a truncated TTN protein. This variant is not present in population databases (gnomAD no frequency). This variant has not been reported in the literature in individuals affected with TTN-related conditions. This variant is located in the I band of TTN (PMID: 25589632). Truncating variants in this region have been reported in individuals affected with autosomal recessive centronuclear myopathy (PMID: 23975875, Invitae internal data). Truncating variants in this region have also been identified in individuals affected with autosomal dominant dilated cardiomyopathy and/or cardio-related conditions (PMID: 27869827, 32964742, Invitae internal data). In summary, the currently available evidence indicates that the variant is pathogenic, but additional data are needed to prove that conclusively. Therefore, this variant has been classified as Likely Pathogenic.

Literature cited by the submitters: PubMed 25589632; PubMed 23975875; PubMed 27869827; PubMed 32964742.

NM_001267550.2(TTN):c.24084del (p.Lys8030fs)

Gene: TTN (titin; minus strand). Cytogenetic location: 2q31.2.
Variant type: Deletion.
Coding change: c.24084del on transcript NM_001267550.2 (MANE Select); coding-DNA position 24084, one base deleted (G; older notation c.24084delG).
Protein change: p.Lys8030fs; shifts the reading frame from lysine 8030.
Molecular consequence: frameshift variant. On other transcripts: intron variant (3).
Genome position (GRCh38, 1-based): chr2:178,719,306, C deleted on the plus strand (G on the coding strand, the reverse complement: TTN is on the minus strand); the first of 3 consecutive C bases (chr2:178,719,306-178,719,308); deleting any one gives the same sequence. VCF-style (leftmost placement, unchanged base first): chr2-178719305-GC-G. GRCh37 (hg19) VCF-style: chr2-179584032-GC-G.
Other names: c.23133del, p.Lys7713fs (NM_001256850.1); c.20352del, p.Lys6786fs (NM_133378.4); c.13282+18776del (NM_003319.4); c.13858+18776del (NM_133437.4); c.13657+18776del (NM_133432.3); short protein forms K6786fs, K7713fs, K8030fs.
Identifiers: ClinVar variation 3757130 (VCV003757130.2).